The following is an entry in ClinVar:

ClinVar aggregate classification (germline): Uncertain significance (1 of 4 stars; one submission).

Conditions:
Neuroblastoma, susceptibility to, 3. Also called: ALK-Related Neuroblastic Tumor Susceptibility. Identifiers: Orphanet 635, MedGen C2751681, MONDO:0013083, OMIM 613014.

Submission:

Labcorp Genetics (formerly Invitae), Labcorp
Classification: Uncertain significance for Neuroblastoma, susceptibility to, 3. Last evaluated: 2021-05-16. Review status: criteria provided, single submitter. Criteria: Invitae Variant Classification Sherloc (09022015). Collection method: clinical testing. Allele origin: germline.
Comment: This sequence change creates a premature translational stop signal (p.Leu789*) in the ALK gene. It is expected to result in an absent or disrupted protein product. However, the current clinical and genetic evidence is not sufficient to establish whether loss-of-function variants in ALK cause disease. This variant is not present in population databases (ExAC no frequency). This variant has not been reported in the literature in individuals with ALK-related conditions. In summary, the available evidence is currently insufficient to determine the role of this variant in disease. Therefore, it has been classified as a Variant of Uncertain Significance.

NM_004304.5(ALK):c.2366T>G (p.Leu789Ter)

Gene: ALK (ALK receptor tyrosine kinase; minus strand). Cytogenetic location: 2p23.2.
Variant type: single nucleotide variant.
Coding change: c.2366T>G on transcript NM_004304.5 (MANE Select); coding-DNA position 2366, T replaced by G.
Protein change: p.Leu789Ter; replaces leucine 789 with a stop codon.
Molecular consequence: nonsense.
Genome position (GRCh38, 1-based): chr2:29,233,686, A>C on the plus strand (T>G on the coding strand, the complement: ALK is on the minus strand). VCF-style: chr2-29233686-A-C. GRCh37 (hg19) VCF-style: chr2-29456552-A-C.
Other names: short protein forms L789*.
Identifiers: ClinVar variation 1353869 (VCV001353869.6), dbSNP rs2148184625, ClinGen allele CA346472548.